The following is an entry in ClinVar:

ClinVar aggregate classification (germline): Uncertain significance (1 of 4 stars; one submission).

Conditions:
POLD1-related polyposis and colorectal cancer syndrome (CRCS10). Also called: Colorectal cancer 10; COLORECTAL CANCER, SUSCEPTIBILITY TO, ON CHROMOSOME 19q; Colorectal cancer, susceptibility to, 10. Identifiers: Orphanet 220460, MedGen C2675481, MONDO:0012953, OMIM 612591.

Submission:

Labcorp Genetics (formerly Invitae), Labcorp
Classification: Uncertain significance for POLD1-related polyposis and colorectal cancer syndrome. Last evaluated: 2023-06-21. Review status: criteria provided, single submitter. Criteria: Invitae Variant Classification Sherloc (09022015). Collection method: clinical testing. Allele origin: germline.
Comment: RNA analysis performed to evaluate the impact of this missense change on mRNA splicing indicates it does not significantly alter splicing (Invitae). Advanced modeling of protein sequence and biophysical properties (such as structural, functional, and spatial information, amino acid conservation, physicochemical variation, residue mobility, and thermodynamic stability) performed at Invitae indicates that this missense variant is not expected to disrupt POLD1 protein function. ClinVar contains an entry for this variant (Variation ID: 1460830). This variant has not been reported in the literature in individuals affected with POLD1-related conditions. This variant is not present in population databases (gnomAD no frequency). This sequence change replaces glutamine, which is neutral and polar, with glutamic acid, which is acidic and polar, at codon 416 of the POLD1 protein (p.Gln416Glu). In summary, the available evidence is currently insufficient to determine the role of this variant in disease. Therefore, it has been classified as a Variant of Uncertain Significance.

NM_002691.4(POLD1):c.1246C>G (p.Gln416Glu)

Gene: POLD1 (DNA polymerase delta 1, catalytic subunit; plus strand). Cytogenetic location: 19q13.33.
Variant type: single nucleotide variant.
Coding change: c.1246C>G on transcript NM_002691.4 (MANE Select); coding-DNA position 1246, C replaced by G.
Protein change: p.Gln416Glu; replaces glutamine 416 with glutamic acid.
Molecular consequence: missense variant. On other transcripts: non-coding transcript variant (1).
Genome position (GRCh38, 1-based): chr19:50,406,185, C>G. VCF-style: chr19-50406185-C-G. GRCh37 (hg19) VCF-style: chr19-50909442-C-G.
Other names: c.1246C>G, p.Gln416Glu (NM_001256849.1, NM_001308632.1); short protein forms Q416E.
Identifiers: ClinVar variation 1460830 (VCV001460830.8), dbSNP rs2038870896, ClinGen allele CA406979680.
Genomic context (GRCh38, chr19:50,406,185, plus strand): 5'-TCAGGCTTATGTGACGGGGACCCGCAGCCTGCTGCACACCCTGCCTCTCCTCCTCAGGTA[C>G]AAACATTCCCTTTCCTGGGCCGTGTGGCCGGCCTTTGCTCCAACATCCGGGACTCTTCAT-3'
Protein context (NP_002682.2, residues 406-426): LISRAQTLKV[Gln416Glu]TFPFLGRVAG